The following is an entry in ClinVar:

NM_000719.7(CACNA1C):c.5668T>C (p.Ser1890Pro)

Genes: CACNA1C (calcium voltage-gated channel subunit alpha1 C; plus strand), CACNA1C-AS1 (CACNA1C antisense RNA 1; minus strand). Cytogenetic location: 12p13.33.
Variant type: single nucleotide variant.
Coding change: c.5668T>C on transcript NM_000719.7 (MANE Select); coding-DNA position 5668, T replaced by C.
Protein change: p.Ser1890Pro; replaces serine 1890 with proline.
Molecular consequence: missense variant.
Genome position (GRCh38, 1-based): chr12:2,685,830, T>C. VCF-style: chr12-2685830-T-C. GRCh37 (hg19) VCF-style: chr12-2794996-T-C.
Other names: c.5812T>C, p.Ser1938Pro (NM_001129827.2); c.5791T>C, p.Ser1931Pro (NM_001129829.2); c.5773T>C, p.Ser1925Pro (NM_001129830.3, NM_001167624.3); c.5752T>C, p.Ser1918Pro (NM_001129831.2); c.5728T>C, p.Ser1910Pro (NM_001129832.2); c.5725T>C, p.Ser1909Pro (NM_001129833.2, NM_001129834.2, NM_001129835.2); c.5719T>C, p.Ser1907Pro (NM_001129836.2); c.5692T>C, p.Ser1898Pro (NM_001129837.2, NM_001129838.2); and 6 more; short protein forms S1887P, S1890P, S1898P, S1931P, S1938P, S1950P, S1925P, S1879P.
Identifiers: ClinVar variation 2164467 (VCV002164467.1), dbSNP rs2097429144, ClinGen allele CA383382319.

ClinVar aggregate classification (germline): Uncertain significance (1 of 4 stars; one submission).

Conditions:
Long QT syndrome (LQTS). Identifiers: MedGen C0023976, MeSH D008133, MONDO:0002442. Disease mechanism: loss of function. Inheritance: Various modes of inheritance.

Allele frequency attached by ClinVar (database versions not stated): TOPMed below 0.00001.

Submission:

Labcorp Genetics (formerly Invitae), Labcorp
Classification: Uncertain significance for Long QT syndrome. Last evaluated: 2021-08-28. Review status: criteria provided, single submitter. Criteria: Invitae Variant Classification Sherloc (09022015). Collection method: clinical testing. Allele origin: germline.
Comment: This sequence change replaces serine with proline at codon 1890 of the CACNA1C protein (p.Ser1890Pro). The serine residue is moderately conserved and there is a moderate physicochemical difference between serine and proline. This variant is not present in population databases (ExAC no frequency). This variant has not been reported in the literature in individuals affected with CACNA1C-related conditions. Algorithms developed to predict the effect of missense changes on protein structure and function (SIFT, PolyPhen-2, Align-GVGD) all suggest that this variant is likely to be tolerated. In summary, the available evidence is currently insufficient to determine the role of this variant in disease. Therefore, it has been classified as a Variant of Uncertain Significance.